The following is an entry in ClinVar:

ClinVar aggregate classification (germline): Uncertain significance (1 of 4 stars; one submission).

Submission:

Labcorp Genetics (formerly Invitae), Labcorp
Classification: Uncertain significance. Last evaluated: 2021-04-06. Review status: criteria provided, single submitter. Criteria: Invitae Variant Classification Sherloc (09022015). Collection method: clinical testing. Allele origin: germline.
Comment: In summary, the available evidence is currently insufficient to determine the role of this variant in disease. Therefore, it has been classified as a Variant of Uncertain Significance. Algorithms developed to predict the effect of sequence changes on RNA splicing suggest that this variant may disrupt the consensus splice site, but this prediction has not been confirmed by published transcriptional studies. This variant has not been reported in the literature in individuals with BEST1-related conditions. This variant is not present in population databases (ExAC no frequency). This sequence change affects codon 580 of the BEST1 mRNA. It is a 'silent' change, meaning that it does not change the encoded amino acid sequence of the BEST1 protein.

NM_004183.4(BEST1):c.1740G>A (p.Arg580=)

Gene: BEST1 (bestrophin 1; plus strand). Cytogenetic location: 11q12.3.
Variant type: single nucleotide variant.
Coding change: c.1740G>A on transcript NM_004183.4 (MANE Select); coding-DNA position 1740, G replaced by A.
Protein change: p.Arg580=; no amino-acid change (arginine 580 retained).
Molecular consequence: synonymous variant. On other transcripts: non-coding transcript variant (1).
Genome position (GRCh38, 1-based): chr11:61,964,104, G>A. VCF-style: chr11-61964104-G-A. GRCh37 (hg19) VCF-style: chr11-61731576-G-A.
Other names: c.*955G>A (NM_001139443.3, NM_001363591.3, NM_001363593.3); c.1479G>A, p.Arg493= (NM_001300786.2); c.1560G>A, p.Arg520= (NM_001300787.2); c.*1845G>A (NM_001363592.2).
Identifiers: ClinVar variation 1523678 (VCV001523678.8), dbSNP rs1024500096, ClinGen allele CA645573063.